The following is an entry in ClinVar:

ClinVar aggregate classification (germline): Uncertain significance. Review status: criteria provided, multiple submitters, no conflicts (2 of 4 stars). 5 submissions from 5 submitters: Uncertain significance (4). 1 of the submissions does not count toward it. Last evaluated 2023-12-30.

Conditions:
Retinal cone dystrophy 4 (RCD4). Identifiers: Orphanet 1872, MedGen C1864849, MONDO:0012507, OMIM 610478.
Inborn genetic diseases. Identifiers: MedGen C0950123, MeSH D030342.
Optic atrophy. Identifiers: MedGen C0029124, MONDO:0003608, HP:0000648.

Allele frequency attached by ClinVar (database versions not stated): gnomAD 0.00001; TOPMed 0.00001; ExAC 0.00002; gnomAD exomes 0.00002.
gnomAD v4.1: 36 of 1,613,788 alleles (0.0022%); highest among the groups gnomAD compares: Non-Finnish European, 0.0031%; no homozygotes.

Submissions (5):

Ambry Genetics
Classification: Uncertain significance for Inborn genetic diseases. Last evaluated: 2023-12-30. Review status: criteria provided, single submitter. Criteria: Ambry Variant Classification Scheme 2023. Collection method: clinical testing. Allele origin: germline.

Labcorp Genetics (formerly Invitae), Labcorp
Classification: Uncertain significance. Last evaluated: 2022-10-17. Review status: criteria provided, single submitter. Criteria: Invitae Variant Classification Sherloc (09022015). Collection method: clinical testing. Allele origin: germline.
Comment: ClinVar contains an entry for this variant (Variation ID: 883632). This variant has not been reported in the literature in individuals affected with CACNA2D4-related conditions. This variant is present in population databases (rs767999612, gnomAD 0.003%). This sequence change replaces glutamic acid, which is acidic and polar, with aspartic acid, which is acidic and polar, at codon 539 of the CACNA2D4 protein (p.Glu539Asp). Algorithms developed to predict the effect of missense changes on protein structure and function are either unavailable or do not agree on the potential impact of this missense change (SIFT: "Deleterious"; PolyPhen-2: "Possibly Damaging"; Align-GVGD: "Class C0"). In summary, the available evidence is currently insufficient to determine the role of this variant in disease. Therefore, it has been classified as a Variant of Uncertain Significance.

Blueprint Genetics
Classification: Uncertain significance. Last evaluated: 2022-08-23. Review status: criteria provided, single submitter. Criteria: ACMG Guidelines, 2015. Collection method: clinical testing. Allele origin: germline.

Illumina Laboratory Services, Illumina
Classification: Uncertain significance for Retinal cone dystrophy 4. Last evaluated: 2018-01-13. Review status: criteria provided, single submitter. Criteria: ICSL Variant Classification Criteria 13 December 2019. Collection method: clinical testing. Allele origin: germline.

Institute of Human Genetics, Univ. Regensburg, Univ. Regensburg
Classification: Uncertain significance for Optic atrophy. Last evaluated: 2022-01-01. Review status: no assertion criteria provided. Criteria: ACMG Guidelines, 2015. Collection method: clinical testing. Allele origin: germline. Affected: yes. Not counted in ClinVar's aggregate classification.

NM_172364.5(CACNA2D4):c.1617G>C (p.Glu539Asp)

Gene: CACNA2D4 (calcium voltage-gated channel auxiliary subunit alpha2delta 4; minus strand). Cytogenetic location: 12p13.33.
Variant type: single nucleotide variant.
Coding change: c.1617G>C on transcript NM_172364.5 (MANE Select); coding-DNA position 1617, G replaced by C.
Protein change: p.Glu539Asp; replaces glutamic acid 539 with aspartic acid.
Molecular consequence: missense variant.
Genome position (GRCh38, 1-based): chr12:1,878,983, C>G on the plus strand (G>C on the coding strand, the complement: CACNA2D4 is on the minus strand). VCF-style: chr12-1878983-C-G. GRCh37 (hg19) VCF-style: chr12-1988149-C-G.
Other names: short protein forms E539D.
Identifiers: ClinVar variation 883632 (VCV000883632.14), dbSNP rs767999612, ClinGen allele CA6387062.